The following is an entry in ClinVar:

NM_021922.3(FANCE):c.8C>T (p.Thr3Ile)

Genes: FANCE (FA complementation group E; plus strand), LOC129996245 (ATAC-STARR-seq lymphoblastoid silent region 17092; plus strand). Cytogenetic location: 6p21.31.
Variant type: single nucleotide variant.
Coding change: c.8C>T on transcript NM_021922.3 (MANE Select); coding-DNA position 8, C replaced by T.
Protein change: p.Thr3Ile; replaces threonine 3 with isoleucine.
Molecular consequence: missense variant.
Genome position (GRCh38, 1-based): chr6:35,452,553, C>T. VCF-style: chr6-35452553-C-T. GRCh37 (hg19) VCF-style: chr6-35420330-C-T.
Other names: short protein forms T3I.
Identifiers: ClinVar variation 1319658 (VCV001319658.7), dbSNP rs1405929258, ClinGen allele CA363769636.

ClinVar aggregate classification (germline): Uncertain significance. Review status: criteria provided, multiple submitters, no conflicts (2 of 4 stars). 2 submissions from 2 submitters: Uncertain significance (2). Last evaluated 2025-10-09.

Conditions:
Fanconi anemia complementation group E (FANCE). Also called: FANCE-Related Fanconi Anemia. Identifiers: Orphanet 84, MedGen C3160739, MONDO:0010953, OMIM 600901.

Allele frequency attached by ClinVar (database versions not stated): gnomAD 0.00002; gnomAD exomes 0.00002 and 0.00005; TOPMed 0.00002.
gnomAD v4.1: 66 of 1,327,138 alleles (0.005%); highest among the groups gnomAD compares: Middle Eastern, 0.026%; no homozygotes.

Submissions (2):

Labcorp Genetics (formerly Invitae), Labcorp
Classification: Uncertain significance for Fanconi anemia complementation group E. Last evaluated: 2025-10-09. Review status: criteria provided, single submitter. Criteria: Invitae Variant Classification Sherloc (09022015). Collection method: clinical testing. Allele origin: germline.
Comment: This sequence change replaces threonine, which is neutral and polar, with isoleucine, which is neutral and non-polar, at codon 3 of the FANCE protein (p.Thr3Ile). The frequency data for this variant in the population databases is considered unreliable, as metrics indicate poor data quality at this position in the gnomAD database. This variant has not been reported in the literature in individuals affected with FANCE-related conditions. ClinVar contains an entry for this variant (Variation ID: 1319658). An algorithm developed to predict the effect of missense changes on protein structure and function (PolyPhen-2) suggests that this variant is likely to be tolerated. In summary, the available evidence is currently insufficient to determine the role of this variant in disease. Therefore, it has been classified as a Variant of Uncertain Significance.

Institute for Clinical Genetics, University Hospital TU Dresden, University Hospital TU Dresden
Classification: Uncertain significance. Last evaluated: 2021-11-03. Review status: criteria provided, single submitter. Criteria: ACMG Guidelines, 2015. Collection method: clinical testing. Allele origin: germline.